The following is an entry in ClinVar:

NM_153813.3(ZFPM1):c.2265G>C (p.Pro755=)

Gene: ZFPM1 (zinc finger protein, FOG family member 1; plus strand). Cytogenetic location: 16q24.2.
Variant type: single nucleotide variant.
Coding change: c.2265G>C on transcript NM_153813.3 (MANE Select); coding-DNA position 2265, G replaced by C.
Protein change: p.Pro755=; no amino-acid change (proline 755 retained).
Molecular consequence: synonymous variant.
Genome position (GRCh38, 1-based): chr16:88,534,223, G>C. VCF-style: chr16-88534223-G-C. GRCh37 (hg19) VCF-style: chr16-88600631-G-C.
Identifiers: ClinVar variation 2646977 (VCV002646977.24), dbSNP rs1219409861, ClinGen allele CA497360493.

ClinVar aggregate classification (germline): Likely benign (1 of 4 stars; one submission).

Submission:

CeGaT Center for Human Genetics Tuebingen
Classification: Likely benign. Last evaluated: 2022-11-01. Review status: criteria provided, single submitter. Criteria: CeGaT Center For Human Genetics Tuebingen Variant Classification Criteria Version 2. Collection method: clinical testing. Allele origin: germline. Affected: yes. Observed: 1 variant allele.
Comment: ZFPM1: BP4, BP7